The following is an entry in ClinVar:

ClinVar aggregate classification (germline): Uncertain significance. Review status: criteria provided, multiple submitters, no conflicts (2 of 4 stars). 3 submissions from 3 submitters: Uncertain significance (3). Last evaluated 2025-08-11.

Conditions:
Spermatogenic failure 18. Identifiers: MedGen C4539783, MONDO:0054615, OMIM 617576.
Ciliary dyskinesia, primary, 37 (CILD37). Also called: CILIARY DYSKINESIA, PRIMARY, 37, WITH OR WITHOUT SITUS INVERSUS. Identifiers: MedGen C4539798, MONDO:0033204, OMIM 617577.

Allele frequency attached by ClinVar (database versions not stated): ESP Exome Variant Server 0.00016; gnomAD exomes 0.00018 and 0.00025; ExAC 0.00021; gnomAD 0.00023; TOPMed 0.00028; 1000 Genomes Project 30x 0.00031; 1000 Genomes Project 0.00040.
gnomAD v4.1: 394 of 1,598,660 alleles (0.025%); highest among the groups gnomAD compares: African/African-American, 0.031%; no homozygotes.

Submissions (3):

Ambry Genetics
Classification: Uncertain significance. Last evaluated: 2025-08-11. Review status: criteria provided, single submitter. Criteria: Ambry Variant Classification Scheme 2023. Collection method: clinical testing. Allele origin: germline.

Labcorp Genetics (formerly Invitae), Labcorp
Classification: Uncertain significance for Ciliary dyskinesia, primary, 37; Spermatogenic failure 18. Last evaluated: 2024-12-19. Review status: criteria provided, single submitter. Criteria: Invitae Variant Classification Sherloc (09022015). Collection method: clinical testing. Allele origin: germline.
Comment: This sequence change replaces isoleucine, which is neutral and non-polar, with threonine, which is neutral and polar, at codon 3783 of the DNAH1 protein (p.Ile3783Thr). This variant is present in population databases (rs149024908, gnomAD 0.04%). This variant has not been reported in the literature in individuals affected with DNAH1-related conditions. ClinVar contains an entry for this variant (Variation ID: 835070). Invitae Evidence Modeling of protein sequence and biophysical properties (such as structural, functional, and spatial information, amino acid conservation, physicochemical variation, residue mobility, and thermodynamic stability) indicates that this missense variant is not expected to disrupt DNAH1 protein function with a negative predictive value of 80%. In summary, the available evidence is currently insufficient to determine the role of this variant in disease. Therefore, it has been classified as a Variant of Uncertain Significance.

Blueprint Genetics
Classification: Uncertain significance. Last evaluated: 2024-04-23. Review status: criteria provided, single submitter. Criteria: ACMG Guidelines, 2015. Collection method: clinical testing. Allele origin: germline.

NM_015512.5(DNAH1):c.11348T>C (p.Ile3783Thr)

Gene: DNAH1 (dynein axonemal heavy chain 1; plus strand). Cytogenetic location: 3p21.1.
Variant type: single nucleotide variant.
Coding change: c.11348T>C on transcript NM_015512.5 (MANE Select); coding-DNA position 11348, T replaced by C.
Protein change: p.Ile3783Thr; replaces isoleucine 3783 with threonine.
Molecular consequence: missense variant.
Genome position (GRCh38, 1-based): chr3:52,396,456, T>C. VCF-style: chr3-52396456-T-C. GRCh37 (hg19) VCF-style: chr3-52430472-T-C.
Other names: short protein forms I3783T.
Identifiers: ClinVar variation 835070 (VCV000835070.10), dbSNP rs149024908, ClinGen allele CA2436143.
Genomic context (GRCh38, chr3:52,396,456, plus strand): 5'-CCAGCCTGCCCAGCAACAAGTTCCCAGTGTCCATCCTGCAGAACGGCTCCAAGATGACCA[T>C]TGAGCCGCCACGCGGTGTCAGGGCCAACCTGCTGAAGTCCTATAGTAGCCTTGGTGAAGA-3'
Protein context (NP_056327.4, residues 3773-3793): SILQNGSKMT[Ile3783Thr]EPPRGVRANL